The following is an entry in ClinVar:

NM_000264.5(PTCH1):c.3614T>G (p.Val1205Gly)

Gene: PTCH1 (patched 1; minus strand). Cytogenetic location: 9q22.32.
Variant type: single nucleotide variant.
Coding change: c.3614T>G on transcript NM_000264.5 (MANE Select); coding-DNA position 3614, T replaced by G.
Protein change: p.Val1205Gly; replaces valine 1205 with glycine.
Molecular consequence: missense variant. On other transcripts: non-coding transcript variant (1).
Genome position (GRCh38, 1-based): chr9:95,449,259, A>C on the plus strand (T>G on the coding strand, the complement: PTCH1 is on the minus strand). VCF-style: chr9-95449259-A-C. GRCh37 (hg19) VCF-style: chr9-98211541-A-C.
Other names: c.3416T>G, p.Val1139Gly (NM_001083602.3); c.3611T>G, p.Val1204Gly (NM_001083603.3); c.3161T>G, p.Val1054Gly (NM_001083604.3, NM_001083605.3, NM_001083606.3 and 1 more transcripts); c.3458T>G, p.Val1153Gly (NM_001354918.2); short protein forms V1054G, V1204G, V1153G, V1205G, V1139G.
Identifiers: ClinVar variation 2909791 (VCV002909791.4), dbSNP rs775882469, ClinGen allele CA374111291.

ClinVar aggregate classification (germline): Uncertain significance. Review status: criteria provided, multiple submitters, no conflicts (2 of 4 stars). 2 submissions from 2 submitters: Uncertain significance (2). Last evaluated 2025-07-16.

Conditions:
Hereditary cancer-predisposing syndrome. Also called: Hereditary Cancer Syndrome; Tumor predisposition; Neoplastic Syndromes, Hereditary; Hereditary neoplastic syndrome. Identifiers: Orphanet 140162, MedGen C0027672, MeSH D009386, MONDO:0015356.
Gorlin syndrome. Also called: Basal cell nevus syndrome; Nevoid Basal Cell Carcinoma Syndrome. Identifiers: Orphanet 377, MedGen C0004779, MONDO:0007187.

Submissions (2):

Ambry Genetics
Classification: Uncertain significance for Hereditary cancer-predisposing syndrome. Last evaluated: 2025-07-16. Review status: criteria provided, single submitter. Criteria: Ambry Variant Classification Scheme 2023. Collection method: clinical testing. Allele origin: germline.
Comment: The p.V1205G variant (also known as c.3614T>G), located in coding exon 22 of the PTCH1 gene, results from a T to G substitution at nucleotide position 3614. The valine at codon 1205 is replaced by glycine, an amino acid with dissimilar properties. This amino acid position is conserved. In addition, this alteration is predicted to be deleterious by in silico analysis. Based on the available evidence, the clinical significance of this variant remains unclear.

Labcorp Genetics (formerly Invitae), Labcorp
Classification: Uncertain significance for Gorlin syndrome. Last evaluated: 2024-10-15. Review status: criteria provided, single submitter. Criteria: Invitae Variant Classification Sherloc (09022015). Collection method: clinical testing. Allele origin: germline.
Comment: This sequence change replaces valine, which is neutral and non-polar, with glycine, which is neutral and non-polar, at codon 1205 of the PTCH1 protein (p.Val1205Gly). This variant is not present in population databases (gnomAD no frequency). This variant has not been reported in the literature in individuals affected with PTCH1-related conditions. Invitae Evidence Modeling of protein sequence and biophysical properties (such as structural, functional, and spatial information, amino acid conservation, physicochemical variation, residue mobility, and thermodynamic stability) has been performed for this missense variant. However, the output from this modeling did not meet the statistical confidence thresholds required to predict the impact of this variant on PTCH1 protein function. In summary, the available evidence is currently insufficient to determine the role of this variant in disease. Therefore, it has been classified as a Variant of Uncertain Significance.